The following is an entry in ClinVar:

ClinVar aggregate classification (germline): Uncertain significance (1 of 4 stars; one submission).

Conditions:
Osteogenesis imperfecta type I (OI1). Also called: Lobstein disease; OI, TYPE I; OSTEOGENESIS IMPERFECTA TARDA; OSTEOGENESIS IMPERFECTA WITH BLUE SCLERAE; Osteogenesis imperfecta type 1; Lobstein's Disease. Identifiers: Orphanet 216796, Orphanet 666, MedGen C0023931, MONDO:0008146, OMIM 166200. Disease mechanism: loss of function.
Ehlers-Danlos syndrome, classic type, 1 (EDSCL1). Also called: EDS I; EHLERS-DANLOS SYNDROME, GRAVIS TYPE; EHLERS-DANLOS SYNDROME, SEVERE CLASSIC TYPE; Ehlers-Danlos syndrome, type 1; Ehlers-Danlos Syndrome, Classic Type, COL5A1-Related. Identifiers: MedGen C0268335, MONDO:0019567, OMIM 130000.

Allele frequency attached by ClinVar (database versions not stated): gnomAD 0.00002.

Submission:

Labcorp Genetics (formerly Invitae), Labcorp
Classification: Uncertain significance for Osteogenesis imperfecta type I; Ehlers-Danlos syndrome, classic type, 1. Last evaluated: 2023-01-20. Review status: criteria provided, single submitter. Criteria: Invitae Variant Classification Sherloc (09022015). Collection method: clinical testing. Allele origin: germline.
Comment: In summary, the available evidence is currently insufficient to determine the role of this variant in disease. Therefore, it has been classified as a Variant of Uncertain Significance. Advanced modeling of protein sequence and biophysical properties (such as structural, functional, and spatial information, amino acid conservation, physicochemical variation, residue mobility, and thermodynamic stability) performed at Invitae indicates that this missense variant is not expected to disrupt COL1A2 protein function. This variant has not been reported in the literature in individuals affected with COL1A2-related conditions. This variant is not present in population databases (gnomAD no frequency). This sequence change replaces glutamic acid, which is acidic and polar, with aspartic acid, which is acidic and polar, at codon 347 of the COL1A2 protein (p.Glu347Asp).

NM_000089.4(COL1A2):c.1041G>T (p.Glu347Asp)

Gene: COL1A2 (collagen type I alpha 2 chain; plus strand). Cytogenetic location: 7q21.3.
Variant type: single nucleotide variant.
Coding change: c.1041G>T on transcript NM_000089.4 (MANE Select); coding-DNA position 1041, G replaced by T.
Protein change: p.Glu347Asp; replaces glutamic acid 347 with aspartic acid.
Molecular consequence: missense variant.
Genome position (GRCh38, 1-based): chr7:94,410,247, G>T. VCF-style: chr7-94410247-G-T. GRCh37 (hg19) VCF-style: chr7-94039559-G-T.
Other names: short protein forms E347D.
Identifiers: ClinVar variation 2922633 (VCV002922633.3), dbSNP rs1584319702, ClinGen allele CA368221028.
Genomic context (GRCh38, chr7:94,410,247, plus strand): 5'-AAGAGAGTTTCAACAAATGTTTGTCCTTTGACCACTGTTCTGTATTGAACCCTAGGGTGA[G>T]CCTGGTCCAGCTGGCTCCAAAGGAGAGAGCGGTAACAAGGGTGAGCCCGTAAGTAGCTCT-3'
Protein context (NP_000080.2, residues 337-357): GATGARGLVG[Glu347Asp]PGPAGSKGES